The following is an entry in ClinVar:

ClinVar aggregate classification (germline): Uncertain significance. Review status: criteria provided, multiple submitters, no conflicts (2 of 4 stars). 3 submissions from 3 submitters: Uncertain significance (3). Last evaluated 2026-09-07.

Conditions:
PLEC-related disorder. Also called: PLEC-related condition; PLEC-related disorders.
Epidermolysis bullosa simplex 5C, with pyloric atresia (EBS5C). Also called: PLEC-Related Epidermolysis Bullosa with Pyloric Atresia; Epidermolysis bullosa simplex with pyloric atresia; PLEC1-Related Epidermolysis Bullosa with Pyloric Atresia. Identifiers: Orphanet 158684, MedGen C2677349, MONDO:0012807, OMIM 612138.
Epidermolysis bullosa simplex 5B, with muscular dystrophy (EBS5B). Also called: Epidermolysis bullosa simplex with muscular dystrophy; EPIDERMOLYSIS BULLOSA SIMPLEX AND LIMB-GIRDLE MUSCULAR DYSTROPHY. Identifiers: Orphanet 257, MedGen C2931072, MONDO:0009181, OMIM 226670.
Epidermolysis bullosa simplex, Ogna type (EBS5A). Also called: Pidermolysis bullosa simplex 5A, Ogna type; EPIDERMOLYSIS BULLOSA SIMPLEX 5A, OGNA TYPE. Identifiers: Orphanet 79401, MedGen C0432317, MONDO:0007555, OMIM 131950.
Epidermolysis bullosa simplex with nail dystrophy (EBS5D). Identifiers: MedGen C4225309, MONDO:0014661, OMIM 616487.
Autosomal recessive limb-girdle muscular dystrophy type 2Q (LGMDR17). Also called: MUSCULAR DYSTROPHY, LIMB-GIRDLE, AUTOSOMAL RECESSIVE 17. Identifiers: Orphanet 254361, MedGen C3150989, MONDO:0013390, OMIM 613723.

Allele frequency attached by ClinVar (database versions not stated): TOPMed 0.00005; gnomAD 0.00006; gnomAD exomes 0.00011; ExAC 0.00048.
gnomAD v4.1: 138 of 1,578,464 alleles (0.0087%); highest among the groups gnomAD compares: Non-Finnish European, 0.011%; no homozygotes.

Submissions (3):

PreventionGenetics, part of Exact Sciences
Classification: Uncertain significance for PLEC-related condition. Last evaluated: 2026-09-07. Review status: criteria provided, single submitter. Criteria: ACMG Guidelines, 2015. Collection method: clinical testing. Allele origin: germline.
Comment: The PLEC c.5036C>T variant is predicted to result in the amino acid substitution p.Ala1679Val. To our knowledge, this variant has not been reported in the literature. This variant is reported in 0.021% of alleles in individuals of European (Non-Finnish) descent in gnomAD. At this time, the clinical significance of this variant is uncertain due to the absence of conclusive functional and genetic evidence.

Labcorp Genetics (formerly Invitae), Labcorp
Classification: Uncertain significance for Autosomal recessive limb-girdle muscular dystrophy type 2Q; Epidermolysis bullosa simplex, Ogna type; Epidermolysis bullosa simplex with nail dystrophy; Epidermolysis bullosa simplex 5C, with pyloric atresia; Epidermolysis bullosa simplex 5B, with muscular dystrophy. Last evaluated: 2025-08-18. Review status: criteria provided, single submitter. Criteria: Invitae Variant Classification Sherloc (09022015). Collection method: clinical testing. Allele origin: germline.
Comment: This sequence change replaces alanine, which is neutral and non-polar, with valine, which is neutral and non-polar, at codon 1679 of the PLEC protein (p.Ala1679Val). This variant is present in population databases (rs781785895, gnomAD 0.02%). This variant has not been reported in the literature in individuals affected with PLEC-related conditions. ClinVar contains an entry for this variant (Variation ID: 1508127). Experimental studies and prediction algorithms are not available or were not evaluated, and the functional significance of this variant is currently unknown. In summary, the available evidence is currently insufficient to determine the role of this variant in disease. Therefore, it has been classified as a Variant of Uncertain Significance.

Blueprint Genetics
Classification: Uncertain significance. Last evaluated: 2024-10-22. Review status: criteria provided, single submitter. Criteria: ACMG Guidelines, 2015. Collection method: clinical testing. Allele origin: germline.

NM_201384.3(PLEC):c.4955C>T (p.Ala1652Val)

Gene: PLEC (plectin; minus strand). Cytogenetic location: 8q24.3.
Variant type: single nucleotide variant.
Coding change: c.4955C>T on transcript NM_201384.3 (MANE Select); coding-DNA position 4955, C replaced by T.
Protein change: p.Ala1652Val; replaces alanine 1652 with valine.
Molecular consequence: missense variant.
Genome position (GRCh38, 1-based): chr8:143,924,974, G>A on the plus strand (C>T on the coding strand, the complement: PLEC is on the minus strand). VCF-style: chr8-143924974-G-A. GRCh37 (hg19) VCF-style: chr8-144999142-G-A.
Other names: c.5036C>T (NM_000445.4); c.5036C>T, p.Ala1679Val (NM_000445.5); c.4913C>T, p.Ala1638Val (NM_201378.4); c.4889C>T, p.Ala1630Val (NM_201379.3); c.5366C>T, p.Ala1789Val (NM_201380.4); c.4859C>T, p.Ala1620Val (NM_201381.3); c.4955C>T, p.Ala1652Val (NM_201382.4); c.4967C>T, p.Ala1656Val (NM_201383.3); short protein forms A1630V, A1656V, A1620V, A1652V, A1789V, A1638V, A1679V.
Identifiers: ClinVar variation 1508127 (VCV001508127.11), dbSNP rs781785895, ClinGen allele CA4926490.